The following is an entry in ClinVar:

ClinVar aggregate classification (germline): Uncertain significance (1 of 4 stars; one submission).

Submission:

GeneDx
Classification: Uncertain significance. Last evaluated: 2024-04-18. Review status: criteria provided, single submitter. Criteria: GeneDx Variant Classification Process June 2021. Collection method: clinical testing. Allele origin: germline. Affected: yes.
Comment: Not observed at significant frequency in large population cohorts (gnomAD); In silico analysis supports that this missense variant has a deleterious effect on protein structure/function; Has not been previously published as pathogenic or benign to our knowledge

NM_213599.3(ANO5):c.2215G>T (p.Val739Phe)

Gene: ANO5 (anoctamin 5; plus strand). Cytogenetic location: 11p14.3.
Variant type: single nucleotide variant.
Coding change: c.2215G>T on transcript NM_213599.3 (MANE Select); coding-DNA position 2215, G replaced by T.
Protein change: p.Val739Phe; replaces valine 739 with phenylalanine.
Molecular consequence: missense variant.
Genome position (GRCh38, 1-based): chr11:22,272,969, G>T. VCF-style: chr11-22272969-G-T. GRCh37 (hg19) VCF-style: chr11-22294515-G-T.
Other names: c.2212G>T, p.Val738Phe (NM_001142649.2); c.2173G>T, p.Val725Phe (NM_001410963.1); c.2170G>T, p.Val724Phe (NM_001410964.1); short protein forms V725F, V738F, V739F, V724F.
Identifiers: ClinVar variation 3372262 (VCV003372262.1).